The following is an entry in ClinVar:

ClinVar aggregate classification (germline): Uncertain significance. Review status: criteria provided, multiple submitters, no conflicts (2 of 4 stars). 2 submissions from 2 submitters: Uncertain significance (2). Last evaluated 2025-01-07.

Conditions:
Inborn genetic diseases. Identifiers: MedGen C0950123, MeSH D030342.

gnomAD v4.1: 15 of 1,614,140 alleles (0.00093%); highest among the groups gnomAD compares: Non-Finnish European, 0.0013%; no homozygotes.

Submissions (2):

GeneDx
Classification: Uncertain significance. Last evaluated: 2025-01-07. Review status: criteria provided, single submitter. Criteria: GeneDx Variant Classification Process June 2021. Collection method: clinical testing. Allele origin: germline. Affected: yes.
Comment: Not observed at significant frequency in large population cohorts (gnomAD); In silico analysis indicates that this missense variant does not alter protein structure/function; Has not been previously published as pathogenic or benign to our knowledge

Ambry Genetics
Classification: Uncertain significance for Inborn genetic diseases. Last evaluated: 2021-12-18. Review status: criteria provided, single submitter. Criteria: Ambry Variant Classification Scheme 2023. Collection method: clinical testing. Allele origin: germline.
Comment: The p.V938A variant (also known as c.2813T>C), located in coding exon 14 of the ATR gene, results from a T to C substitution at nucleotide position 2813. The valine at codon 938 is replaced by alanine, an amino acid with similar properties. This amino acid position is conserved. In addition, the in silico prediction for this alteration is inconclusive. Since supporting evidence is limited at this time, the clinical significance of this alteration remains unclear.

NM_001184.4(ATR):c.2813T>C (p.Val938Ala)

Gene: ATR (ATR checkpoint kinase; minus strand). Cytogenetic location: 3q23.
Variant type: single nucleotide variant.
Coding change: c.2813T>C on transcript NM_001184.4 (MANE Select); coding-DNA position 2813, T replaced by C.
Protein change: p.Val938Ala; replaces valine 938 with alanine.
Molecular consequence: missense variant.
Genome position (GRCh38, 1-based): chr3:142,550,295, A>G on the plus strand (T>C on the coding strand, the complement: ATR is on the minus strand). VCF-style: chr3-142550295-A-G. GRCh37 (hg19) VCF-style: chr3-142269137-A-G.
Other names: c.2621T>C, p.Val874Ala (NM_001354579.2); short protein forms V874A, V938A.
Identifiers: ClinVar variation 1796355 (VCV001796355.3), dbSNP rs2473367813, ClinGen allele CA354813558.
Genomic context (GRCh38, chr3:142,550,295, plus strand): 5'-TCAGCATTCTGGCATGGAGTATTCGGAAGTGCTGTCATCTGACTAGAGTGAAGGGATTCT[A>G]CCAAAAACTAGAGCAAAAACCATTTTATTGTGAGTTTTCACACAAAGAAGAAATTTTAAC-3'
Protein context (NP_001175.2, residues 928-948): QYKKPICQFL[Val938Ala]ESLHSSQMTA